The following is an entry in ClinVar:

NM_001365276.2(TNXB):c.7994G>A (p.Gly2665Glu)

Gene: TNXB (tenascin XB; minus strand). Cytogenetic location: 6p21.33.
Variant type: single nucleotide variant.
Coding change: c.7994G>A on transcript NM_001365276.2 (MANE Select); coding-DNA position 7994, G replaced by A.
Protein change: p.Gly2665Glu; replaces glycine 2665 with glutamic acid.
Molecular consequence: missense variant.
Genome position (GRCh38, 1-based): chr6:32,056,735, C>T on the plus strand (G>A on the coding strand, the complement: TNXB is on the minus strand). VCF-style: chr6-32056735-C-T. GRCh37 (hg19) VCF-style: chr6-32024512-C-T.
Other names: c.7994G>A, p.Gly2665Glu (NM_019105.8); short protein forms G2665E.
Identifiers: ClinVar variation 2565755 (VCV002565755.2), dbSNP rs1035474089, ClinGen allele CA136905499.

ClinVar aggregate classification (germline): Uncertain significance (1 of 4 stars; one submission).

Conditions:
Cardiovascular phenotype. Identifiers: MedGen CN230736.

Allele frequency attached by ClinVar (database versions not stated): TOPMed 0.00001.

Submission:

Ambry Genetics
Classification: Uncertain significance for Cardiovascular phenotype. Last evaluated: 2023-05-27. Review status: criteria provided, single submitter. Criteria: Ambry Variant Classification Scheme 2023. Collection method: clinical testing. Allele origin: germline.
Comment: The p.G2665E variant (also known as c.7994G>A), located in coding exon 22 of the TNXB gene, results from a G to A substitution at nucleotide position 7994. The glycine at codon 2665 is replaced by glutamic acid, an amino acid with similar properties. This amino acid position is conserved. In addition, this alteration is predicted to be tolerated by in silico analysis. Since supporting evidence is limited at this time, the clinical significance of this alteration remains unclear.